The following is an entry in ClinVar:

ClinVar aggregate classification (germline): Uncertain significance. Review status: criteria provided, multiple submitters, no conflicts (2 of 4 stars). 2 submissions from 2 submitters: Uncertain significance (2). Last evaluated 2025-01-11.

Conditions:
Pancreatic adenocarcinoma. Identifiers: MedGen C0281361, MONDO:0006047, HP:0006725.

gnomAD v4.1: 6 of 1,526,974 alleles (0.00039%); highest among the groups gnomAD compares: Non-Finnish European, 0.00052%; no homozygotes.

Submissions (2):

Ambry Genetics
Classification: Uncertain significance. Last evaluated: 2025-01-11. Review status: criteria provided, single submitter. Criteria: Ambry Variant Classification Scheme 2023. Collection method: clinical testing. Allele origin: germline.
Comment: The p.A140E variant (also known as c.419C>A), located in coding exon 1 of the PALLD gene, results from a C to A substitution at nucleotide position 419. The alanine at codon 140 is replaced by glutamic acid, an amino acid with dissimilar properties. This amino acid position is conserved. In addition, the in silico prediction for this alteration is inconclusive. Based on the available evidence, the clinical significance of this variant remains unclear.

Labcorp Genetics (formerly Invitae), Labcorp
Classification: Uncertain significance for Pancreatic adenocarcinoma. Last evaluated: 2021-02-27. Review status: criteria provided, single submitter. Criteria: Invitae Variant Classification Sherloc (09022015). Collection method: clinical testing. Allele origin: germline.
Comment: This sequence change replaces alanine with glutamic acid at codon 140 of the PALLD protein (p.Ala140Glu). The alanine residue is weakly conserved and there is a moderate physicochemical difference between alanine and glutamic acid. The frequency data for this variant in the population databases is considered unreliable, as metrics indicate insufficient coverage at this position in the ExAC database. This variant has not been reported in the literature in individuals with PALLD-related conditions. Algorithms developed to predict the effect of missense changes on protein structure and function (SIFT, PolyPhen-2, Align-GVGD) all suggest that this variant is likely to be tolerated, but these predictions have not been confirmed by published functional studies and their clinical significance is uncertain. In summary, the available evidence is currently insufficient to determine the role of this variant in disease. Therefore, it has been classified as a Variant of Uncertain Significance.

NM_001166108.2(PALLD):c.1965-12612C>A

Gene: PALLD (palladin, cytoskeletal associated protein; plus strand). Cytogenetic location: 4q32.3.
Variant type: single nucleotide variant.
Coding change: c.1965-12612C>A on transcript NM_001166108.2 (MANE Select); 12612 bases into the intron before coding-DNA position 1965, C replaced by A.
Molecular consequence: intron variant. On other transcripts: missense variant (1).
Genome position (GRCh38, 1-based): chr4:168,878,310, C>A. VCF-style: chr4-168878310-C-A. GRCh37 (hg19) VCF-style: chr4-169799461-C-A.
Other names: c.419C>A (NM_001166110.1); c.419C>A, p.Ala140Glu (NM_001166110.2); c.1965-12612C>A (NM_016081.4); c.819-12612C>A (NM_001166109.2); c.-157-12612C>A (NM_001367570.1, NM_001367568.1, NM_001367567.1 and 1 more transcripts); short protein forms A140E.
Identifiers: ClinVar variation 1443628 (VCV001443628.9), dbSNP rs2151119973, ClinGen allele CA358796644.
Genomic context (GRCh38, chr4:168,878,310, plus strand): 5'-CGGGACAGGCGTCCCACTGCTCGTCGCCTGCCACCCGCTTCGGCCACAGCCAGACGCCCG[C>A]GGCCTTCCTCAGCGCTCTGCTGCCCTCGCAGCCGCCGCCGGCGGCCGTCAACGCCCTGGG-3'